The following is an entry in ClinVar:

NM_001100607.3(SERPINA10):c.832A>C (p.Thr278Pro)

Gene: SERPINA10 (serpin family A member 10; minus strand). Cytogenetic location: 14q32.13.
Variant type: single nucleotide variant.
Coding change: c.832A>C on transcript NM_001100607.3 (MANE Select); coding-DNA position 832, A replaced by C.
Protein change: p.Thr278Pro; replaces threonine 278 with proline.
Molecular consequence: missense variant.
Genome position (GRCh38, 1-based): chr14:94,288,446, T>G on the plus strand (A>C on the coding strand, the complement: SERPINA10 is on the minus strand). VCF-style: chr14-94288446-T-G. GRCh37 (hg19) VCF-style: chr14-94754783-T-G.
Other names: c.832A>C, p.Thr278Pro (NM_016186.3); short protein forms T278P.
Identifiers: ClinVar variation 4832118 (VCV004832118.1).
Genomic context (GRCh38, chr14:94,288,446, plus strand): 5'-TGGTGGCATTTCCTTGGTAGGGCAGTTTGAGGACATGACAACGAAAATTCTTGTCAAAGG[T>G]GGAGGCAAACTTGCCTGCACCGTACATCATGGGCACCTTAATGGTCTTGTACTTGTCCAG-3'
Protein context (NP_001094077.1, residues 268-288): MMYGAGKFAS[Thr278Pro]FDKNFRCHVL

ClinVar aggregate classification (germline): Uncertain significance (1 of 4 stars; one submission).

Submission:

Ambry Genetics
Classification: Uncertain significance. Last evaluated: 2025-12-15. Review status: criteria provided, single submitter. Criteria: Ambry Variant Classification Scheme 2023. Collection method: clinical testing. Allele origin: germline.
Comment: The c.832A>C (p.T278P) alteration is located in exon 3 (coding exon 2) of the SERPINA10 gene. This alteration results from a A to C substitution at nucleotide position 832, causing the threonine (T) at amino acid position 278 to be replaced by a proline (P). Based on data from gnomAD, the C allele has an overall frequency of 0.002% (5/282820) total alleles studied. The highest observed frequency was 0.004% (1/24946) of African alleles. Based on insufficient or conflicting evidence, the clinical significance of this alteration remains unclear.